The following is an entry in ClinVar:

ClinVar aggregate classification (germline): Likely benign. Review status: reviewed by expert panel (3 of 4 stars). 3 submissions from 3 submitters: Likely benign (1). 2 of the submissions do not count toward it. Last evaluated 2026-05-04.

Conditions:
Inborn genetic diseases. Identifiers: MedGen C0950123, MeSH D030342.
Hereditary thrombocytopenia and hematological cancer predisposition syndrome associated with RUNX1. Also called: PLATELET DISORDER, ASPIRIN-LIKE; Familial Platelet Disorder with Propensity to Acute Myelogenous Leukemia; Familial thrombocytopenia with propensity to acute myelogenous leukemia; RUNX1 Familial Platelet Disorder with Associated Myeloid Malignancies. Identifiers: Orphanet 71290, MedGen C1832388, MeSH C563324, MONDO:0100083, OMIM 601399.
Hereditary thrombocytopenia and hematologic cancer predisposition syndrome. Identifiers: Orphanet 71290, MedGen CN281654, MONDO:0011071.

Allele frequency attached by ClinVar (database versions not stated): gnomAD exomes below 0.00001.
gnomAD v4.1: 1 of 1,614,066 alleles (0.000062%); highest among the groups gnomAD compares: Non-Finnish European, 0.000085%; no homozygotes.

Submissions (3):

ClinGen Myeloid Malignancy Variant Curation Expert Panel
Classification: Likely benign for Hereditary thrombocytopenia and hematologic cancer predisposition syndrome. Last evaluated: 2026-05-04. Review status: reviewed by expert panel. Criteria: ClinGen MyeloMalig ACMG Specifications V3.1. Collection method: curation. Allele origin: germline. Inheritance: Autosomal dominant inheritance.
Comment: NM_001754.5(RUNX1):c.354G>C (p.Val118=) is a synonymous variant which has a SpliceAI score ≤ 0.20 (0.00) (BP4, BP7). This variant is completely absent from all population databases with at least 20x coverage for RUNX1 (PM2_supporting). In summary, this variant meets criteria to be classified as likely benign. ACMG/AMP criteria applied, as specified by the Myeloid Malignancy Variant Curation Expert Panel for RUNX1: BP4, BP7, PM2_supporting.

Ambry Genetics
Classification: Likely benign for Inborn genetic diseases. Last evaluated: 2025-06-19. Review status: criteria provided, single submitter. Criteria: Ambry Variant Classification Scheme 2023. Collection method: clinical testing. Allele origin: germline. Not counted in ClinVar's aggregate classification.

Labcorp Genetics (formerly Invitae), Labcorp
Classification: Likely benign for Hereditary thrombocytopenia and hematological cancer predisposition syndrome associated with RUNX1. Last evaluated: 2022-11-01. Review status: criteria provided, single submitter. Criteria: Invitae Variant Classification Sherloc (09022015). Collection method: clinical testing. Allele origin: germline. Not counted in ClinVar's aggregate classification.

NM_001754.5(RUNX1):c.354G>C (p.Val118=)

Genes: RUNX1 (RUNX family transcription factor 1; minus strand), RUNX1-AS1 (RUNX1 antisense RNA 1; plus strand). Cytogenetic location: 21q22.12.
Variant type: single nucleotide variant.
Coding change: c.354G>C on transcript NM_001754.5 (MANE Select); coding-DNA position 354, G replaced by C.
Protein change: p.Val118=; no amino-acid change (valine 118 retained).
Molecular consequence: synonymous variant.
Genome position (GRCh38, 1-based): chr21:34,880,711, C>G on the plus strand (G>C on the coding strand, the complement: RUNX1 is on the minus strand). VCF-style: chr21-34880711-C-G. GRCh37 (hg19) VCF-style: chr21-36253008-C-G.
Other names: NM_001754.5(RUNX1):c.354G>C; p.Val118=; c.273G>C, p.Val91= (NM_001001890.3, NM_001122607.2).
Identifiers: ClinVar variation 761366 (VCV000761366.13), dbSNP rs1601516291, ClinGen allele CA512318800.
Genomic context (GRCh38, chr21:34,880,711, plus strand): 5'-TTCATCATTGCCAGCCATCACAGTGACCAGAGTGCCATCTGGAACATCCCCTAGGGCCAC[C>G]ACCTAAACACCAGTCAAAGGACAAATGCAGACATCAGGGATGTTATACATACACTTTTAG-3'
Protein context (NP_001745.2, residues 108-128): CNKTLPIAFK[Val118=]VALGDVPDGT